The following is an entry in ClinVar:

NM_000540.3(RYR1):c.6891+3G>T

Gene: RYR1 (ryanodine receptor 1; plus strand). Cytogenetic location: 19q13.2.
Variant type: single nucleotide variant.
Coding change: c.6891+3G>T on transcript NM_000540.3 (MANE Select); 3 bases into the intron after coding-DNA position 6891, G replaced by T.
Molecular consequence: intron variant.
Genome position (GRCh38, 1-based): chr19:38,496,957, G>T. VCF-style: chr19-38496957-G-T. GRCh37 (hg19) VCF-style: chr19-38987597-G-T.
Other names: c.6891+3G>T (NM_001042723.2).
Identifiers: ClinVar variation 660051 (VCV000660051.13), dbSNP rs373333757, ClinGen allele CA068855.
Genomic context (GRCh38, chr19:38,496,957, plus strand): 5'-CTCCGTCATTGACAACAATGAGCTGGCCTTGGCATTGCAGGAGCAGGACCTGGAAAAGGT[G>T]TGGAGGGCAGGGCTGGGCCCCAGGCCTAAGGGAGGAAATCGGGCCGCTACCCGGCTGCTT-3'

ClinVar aggregate classification (germline): Uncertain significance. Review status: criteria provided, multiple submitters, no conflicts (2 of 4 stars). 5 submissions from 5 submitters: Uncertain significance (5). Last evaluated 2025-11-05.

Conditions:
Malignant hyperthermia, susceptibility to, 1 (MHS1). Also called: Malignant hyperthermia suceptibility 1; RYR1-Related Malignant Hyperthermia Susceptibility; Anesthesia related hyperthermia; Malignant hyperpyrexia; Fulminating hyperpyrexia; Pharmacogenic myopathy. Identifiers: Orphanet 423, MedGen C2930980, MONDO:0007783, OMIM 145600.
Central core disease, autosomal recessive. Identifiers: MedGen C4016368.
Centronuclear myopathy (CNM). Also called: Centronuclear myopathy, congenital; Myotubular myopathy. Identifiers: Orphanet 595, MedGen C0175709, MONDO:0018947. Inheritance: All.
Congenital myopathy with fiber type disproportion. Also called: Congenital fiber-type disproportion; Congenital fiber-type disproportion myopathy. Identifiers: Orphanet 2020, MedGen C0546264, MONDO:0009711. Inheritance: all.
Central core myopathy (CMYO1A). Also called: CONGENITAL MYOPATHY 1A, AUTOSOMAL DOMINANT, WITH SUSCEPTIBILITY TO MALIGNANT HYPERTHERMIA; Central core disease; Myopathy, central fibrillar. Identifiers: Orphanet 597, MedGen C5830701, MONDO:0007294, OMIM 117000.
Multiminicore myopathy. Identifiers: Orphanet 598, MedGen C0270962, MONDO:0018948.
RYR1-related disorder. Also called: RYR1-related condition; RYR1-related disorders. Identifiers: MedGen CN239331.

Allele frequency attached by ClinVar (database versions not stated): gnomAD exomes 0.00002 and 0.00003; ExAC 0.00003; gnomAD 0.00005 and 0.00006; TOPMed 0.00005; ESP Exome Variant Server 0.00008.
gnomAD v4.1: 54 of 1,612,792 alleles (0.0033%); highest among the groups gnomAD compares: Non-Finnish European, 0.0045%; no homozygotes.

Submissions (5):

Women's Health and Genetics/Laboratory Corporation of America, LabCorp
Classification: Uncertain significance. Last evaluated: 2025-11-05. Review status: criteria provided, single submitter. Criteria: LabCorp Variant Classification Summary - May 2015. Collection method: clinical testing. Allele origin: germline.
Comment: Variant summary: RYR1 c.6891+3G>T alters a non-conserved nucleotide located close to a canonical splice site and therefore could affect mRNA splicing, leading to a significantly altered protein sequence. Consensus agreement among computation tools predict no significant impact on normal splicing. However, these predictions have yet to be confirmed by functional studies. The variant allele was found at a frequency of 2e-05 in 249426 control chromosomes. The available data on variant occurrences in the general population are insufficient to allow any conclusion about variant significance. To our knowledge, no occurrence of c.6891+3G>T in individuals affected with RYR1-related conditions and no experimental evidence demonstrating its impact on protein function have been reported. ClinVar contains an entry for this variant (Variation ID: 660051). Based on the evidence outlined above, the variant was classified as uncertain significance.

Color Diagnostics, LLC DBA Color Health
Classification: Uncertain significance for Malignant hyperthermia, susceptibility to, 1. Last evaluated: 2025-05-29. Review status: criteria provided, single submitter. Criteria: ACMG Guidelines, 2015. Collection method: clinical testing. Allele origin: germline.
Comment: This variant causes a G to T nucleotide substitution at the +3 position of intron 42 of the RYR1 gene. To our knowledge, RNA studies have not been reported for this variant. This variant has not been reported in individuals affected with RYR1-related disorders in the literature. This variant has been identified in 6/280818 chromosomes in the general population by the Genome Aggregation Database (gnomAD). The available evidence is insufficient to determine the role of this variant in disease conclusively. Therefore, this variant is classified as a Variant of Uncertain Significance.

Labcorp Genetics (formerly Invitae), Labcorp
Classification: Uncertain significance for RYR1-related disorder. Last evaluated: 2025-05-07. Review status: criteria provided, single submitter. Criteria: Invitae Variant Classification Sherloc (09022015). Collection method: clinical testing. Allele origin: germline.
Comment: This sequence change falls in intron 42 of the RYR1 gene. It does not directly change the encoded amino acid sequence of the RYR1 protein. It affects a nucleotide within the consensus splice site. This variant is present in population databases (rs373333757, gnomAD 0.004%). This variant has not been reported in the literature in individuals affected with RYR1-related conditions. ClinVar contains an entry for this variant (Variation ID: 660051). Variants that disrupt the consensus splice site are a relatively common cause of aberrant splicing (PMID: 17576681, 9536098). Algorithms developed to predict the effect of sequence changes on RNA splicing suggest that this variant is not likely to affect RNA splicing. In summary, the available evidence is currently insufficient to determine the role of this variant in disease. Therefore, it has been classified as a Variant of Uncertain Significance.

All of Us Research Program, National Institutes of Health
Classification: Uncertain significance for Malignant hyperthermia, susceptibility to, 1. Last evaluated: 2024-06-11. Review status: criteria provided, single submitter. Criteria: ACMG Guidelines, 2015. Collection method: clinical testing. Allele origin: germline. Inheritance: Autosomal dominant inheritance. Observed: 12 variant alleles, 12 heterozygotes.
Comment: This variant causes a G to T nucleotide substitution at the +3 position of intron 42 of the RYR1 gene. To our knowledge, RNA studies have not been reported for this variant. This variant has not been reported in individuals affected with RYR1-related disorders in the literature. This variant has been identified in 6/280818 chromosomes in the general population by the Genome Aggregation Database (gnomAD). The available evidence is insufficient to determine the role of this variant in disease conclusively. Therefore, this variant is classified as a Variant of Uncertain Significance.

This study involves interpretation of variants in research participants for the purpose of population health screening. Participant phenotype was not available at the time of variant classification. Additional details can be found in publication PMID: 35346344, PMCID: PMC8962531

Revvity Omics, Revvity
Classification: Uncertain significance. Last evaluated: 2024-05-03. Review status: criteria provided, single submitter. Criteria: ACMG Guidelines, 2015. Collection method: clinical testing. Allele origin: germline.

Literature cited by the submitters: PubMed 17576681 (cited by Labcorp Genetics (formerly Invitae), Labcorp); PubMed 9536098 (cited by Labcorp Genetics (formerly Invitae), Labcorp).